The following is an entry in ClinVar:

ClinVar aggregate classification (germline): Uncertain significance. Review status: criteria provided, multiple submitters, no conflicts (2 of 4 stars). 2 submissions from 2 submitters: Uncertain significance (2). Last evaluated 2024-04-03.

gnomAD v4.1: 3 of 1,613,720 alleles (0.00019%); highest among the groups gnomAD compares: Non-Finnish European, 0.00025%; no homozygotes.

Submissions (2):

Labcorp Genetics (formerly Invitae), Labcorp
Classification: Uncertain significance. Last evaluated: 2024-04-03. Review status: criteria provided, single submitter. Criteria: Invitae Variant Classification Sherloc (09022015). Collection method: clinical testing. Allele origin: germline.
Comment: This sequence change replaces valine, which is neutral and non-polar, with glycine, which is neutral and non-polar, at codon 456 of the CNGA3 protein (p.Val456Gly). This variant is not present in population databases (gnomAD no frequency). This variant has not been reported in the literature in individuals affected with CNGA3-related conditions. Advanced modeling of protein sequence and biophysical properties (such as structural, functional, and spatial information, amino acid conservation, physicochemical variation, residue mobility, and thermodynamic stability) performed at Invitae indicates that this missense variant is expected to disrupt CNGA3 protein function with a positive predictive value of 95%. In summary, the available evidence is currently insufficient to determine the role of this variant in disease. Therefore, it has been classified as a Variant of Uncertain Significance.

Blueprint Genetics
Classification: Uncertain significance. Last evaluated: 2020-03-05. Review status: criteria provided, single submitter. Criteria: ACMG Guidelines, 2015. Collection method: clinical testing. Allele origin: germline.

NM_001298.3(CNGA3):c.1367T>G (p.Val456Gly)

Gene: CNGA3 (cyclic nucleotide gated channel subunit alpha 3; plus strand). Cytogenetic location: 2q11.2.
Variant type: single nucleotide variant.
Coding change: c.1367T>G on transcript NM_001298.3 (MANE Select); coding-DNA position 1367, T replaced by G.
Protein change: p.Val456Gly; replaces valine 456 with glycine.
Molecular consequence: missense variant.
Genome position (GRCh38, 1-based): chr2:98,396,537, T>G. VCF-style: chr2-98396537-T-G. GRCh37 (hg19) VCF-style: chr2-99013000-T-G.
Other names: c.1313T>G, p.Val438Gly (NM_001079878.2); short protein forms V438G, V456G.
Identifiers: ClinVar variation 3610347 (VCV003610347.3).